The following is an entry in ClinVar:

ClinVar aggregate classification (germline): Uncertain significance (1 of 4 stars; one submission).

Conditions:
Cardiovascular phenotype. Identifiers: MedGen CN230736.

Submission:

Molecular Diagnostic Laboratory for Inherited Cardiovascular Disease, Montreal Heart Institute
Classification: Uncertain significance for Cardiovascular phenotype. Last evaluated: 2026-09-21. Review status: criteria provided, single submitter. Criteria: ACMG Guidelines, 2015. Collection method: clinical testing. Allele origin: germline. Affected: yes.
Comment: PM2, PP2

NM_002880.4(RAF1):c.1407G>A (p.Met469Ile)

Gene: RAF1 (Raf-1 proto-oncogene, serine/threonine kinase; minus strand). Cytogenetic location: 3p25.2.
Variant type: single nucleotide variant.
Coding change: c.1407G>A on transcript NM_002880.4 (MANE Select); coding-DNA position 1407, G replaced by A.
Protein change: p.Met469Ile; replaces methionine 469 with isoleucine.
Molecular consequence: missense variant. On other transcripts: non-coding transcript variant (3).
Genome position (GRCh38, 1-based): chr3:12,587,601, C>T on the plus strand (G>A on the coding strand, the complement: RAF1 is on the minus strand). VCF-style: chr3-12587601-C-T. GRCh37 (hg19) VCF-style: chr3-12629100-C-T.
Other names: c.1467G>A, p.Met489Ile (NM_001354689.3); c.1407G>A, p.Met469Ile (NM_001354690.3); c.1164G>A, p.Met388Ile (NM_001354691.3, NM_001354692.3); c.1308G>A, p.Met436Ile (NM_001354693.3); c.1224G>A, p.Met408Ile (NM_001354694.3); c.1065G>A, p.Met355Ile (NM_001354695.3); short protein forms M355I, M388I, M408I, M436I, M469I, M489I.
Identifiers: ClinVar variation 5037860 (VCV005037860.1).